The following is an entry in ClinVar:

NM_177438.3(DICER1):c.2433T>G (p.Pro811=)

Gene: DICER1 (dicer 1, ribonuclease III; minus strand). Cytogenetic location: 14q32.13.
Variant type: single nucleotide variant.
Coding change: c.2433T>G on transcript NM_177438.3 (MANE Select); coding-DNA position 2433, T replaced by G.
Protein change: p.Pro811=; no amino-acid change (proline 811 retained).
Molecular consequence: synonymous variant.
Genome position (GRCh38, 1-based): chr14:95,108,327, A>C on the plus strand (T>G on the coding strand, the complement: DICER1 is on the minus strand). VCF-style: chr14-95108327-A-C. GRCh37 (hg19) VCF-style: chr14-95574664-A-C.
Other names: c.2433T>G, p.Pro811= (NM_001195573.1, NM_001271282.3, NM_001291628.2 and 1 more transcripts).
Identifiers: ClinVar variation 417044 (VCV000417044.15), dbSNP rs1060504958, ClinGen allele CA16614526.

ClinVar aggregate classification (germline): Benign/Likely benign. Review status: criteria provided, multiple submitters, no conflicts (2 of 4 stars). 3 submissions from 3 submitters: Benign (1); Likely benign (2). Last evaluated 2026-04-16.

Conditions:
Hereditary cancer-predisposing syndrome. Also called: Hereditary Cancer Syndrome; Neoplastic Syndromes, Hereditary; Hereditary neoplastic syndrome; Tumor predisposition. Identifiers: Orphanet 140162, MedGen C0027672, MeSH D009386, MONDO:0015356.
DICER1-related tumor predisposition. Also called: DICER1-related pleuropulmonary blastoma cancer predisposition syndrome; DICER1 syndrome. Identifiers: Orphanet 284343, MedGen C3839822, MONDO:0100216.

Allele frequency attached by ClinVar (database versions not stated): TOPMed below 0.00001; gnomAD exomes below 0.00001.
gnomAD v4.1: 1 of 1,613,250 alleles (0.000062%); highest among the groups gnomAD compares: Non-Finnish European, 0.000085%; no homozygotes.

Submissions (3):

Myriad Genetics, Inc.
Classification: Benign for DICER1-related tumor predisposition. Last evaluated: 2026-04-16. Review status: criteria provided, single submitter. Criteria: Myriad Autosomal Dominant, Autosomal Recessive and X-Linked Classification Criteria (2023). Collection method: clinical testing. Allele origin: unknown.
Comment: This variant is considered benign. This variant is a silent/synonymous amino acid change and it is not expected to impact splicing.

Labcorp Genetics (formerly Invitae), Labcorp
Classification: Likely benign for DICER1-related tumor predisposition. Last evaluated: 2025-12-24. Review status: criteria provided, single submitter. Criteria: Invitae Variant Classification Sherloc (09022015). Collection method: clinical testing. Allele origin: germline.

Ambry Genetics
Classification: Likely benign for Hereditary cancer-predisposing syndrome. Last evaluated: 2019-02-28. Review status: criteria provided, single submitter. Criteria: Ambry Variant Classification Scheme 2023. Collection method: clinical testing. Allele origin: germline.